The following is an entry in ClinVar:

ClinVar aggregate classification (germline): Likely benign (1 of 4 stars; one submission).

gnomAD v4.1: 55 of 1,208,471 alleles (0.0046%); highest among the groups gnomAD compares: South Asian, 0.057%; no homozygotes.

Submission:

CeGaT Center for Human Genetics Tuebingen
Classification: Likely benign. Last evaluated: 2026-07-01. Review status: criteria provided, single submitter. Criteria: CeGaT Center For Human Genetics Tuebingen Variant Classification Criteria Version 2. Collection method: clinical testing. Allele origin: germline. Affected: yes. Observed: 1 variant allele.
Comment: GPR101: BP4, BS2

NM_054021.2(GPR101):c.1139G>A (p.Arg380His)

Gene: GPR101 (G protein-coupled receptor 101; minus strand). Cytogenetic location: Xq26.3.
Variant type: single nucleotide variant.
Coding change: c.1139G>A on transcript NM_054021.2 (MANE Select); coding-DNA position 1139, G replaced by A.
Protein change: p.Arg380His; replaces arginine 380 with histidine.
Molecular consequence: missense variant.
Genome position (GRCh38, 1-based): chrX:137,030,536, C>T on the plus strand (G>A on the coding strand, the complement: GPR101 is on the minus strand). VCF-style: chrX-137030536-C-T. GRCh37 (hg19) VCF-style: chrX-136112695-C-T.
Other names: short protein forms R380H.
Identifiers: ClinVar variation 5039306 (VCV005039306.1).